The following is an entry in ClinVar:

ClinVar aggregate classification (germline): Uncertain significance (1 of 4 stars; one submission).

Conditions:
Citrullinemia. Identifiers: Orphanet 187, MedGen C0175683, MONDO:0015991.

Submission:

Labcorp Genetics (formerly Invitae), Labcorp
Classification: Uncertain significance for Citrullinemia. Last evaluated: 2017-09-17. Review status: criteria provided, single submitter. Criteria: Invitae Variant Classification Sherloc (09022015). Collection method: clinical testing. Allele origin: germline.
Comment: In summary, this variant has uncertain impact on ASS1 function. The available evidence is currently insufficient to determine its role in disease. Therefore, it has been classified as a Variant of Uncertain Significance. Algorithms developed to predict the effect of missense changes on protein structure and function (SIFT, PolyPhen-2, Align-GVGD) all suggest that this variant is likely to be disruptive, but these predictions have not been confirmed by published functional studies and their clinical significance is uncertain. This variant has not been reported in the literature in individuals with a ASS1-related disease. This variant is not present in population databases (ExAC no frequency). This sequence change replaces glutamic acid with lysine at codon 84 of the ASS1 protein (p.Glu84Lys). The glutamic acid residue is highly conserved and there is a small physicochemical difference between glutamic acid and lysine.

NM_054012.4(ASS1):c.250G>A (p.Glu84Lys)

Gene: ASS1 (argininosuccinate synthase 1; plus strand). Cytogenetic location: 9q34.11.
Variant type: single nucleotide variant.
Coding change: c.250G>A on transcript NM_054012.4 (MANE Select); coding-DNA position 250, G replaced by A.
Protein change: p.Glu84Lys; replaces glutamic acid 84 with lysine.
Molecular consequence: missense variant.
Genome position (GRCh38, 1-based): chr9:130,458,476, G>A. VCF-style: chr9-130458476-G-A. GRCh37 (hg19) VCF-style: chr9-133333863-G-A.
Other names: c.250G>A, p.Glu84Lys (NM_000050.4); short protein forms E84K.
Identifiers: ClinVar variation 458672 (VCV000458672.10), dbSNP rs1554982834, ClinGen allele CA375225122.
Genomic context (GRCh38, chr9:130,458,476, plus strand): 5'-GTCAGCAGGGAGTTTGTGGAGGAGTTCATCTGGCCGGCCATCCAGTCCAGCGCACTGTAT[G>A]AGGACCGCTACCTCCTGGGCACCTCTCTTGCCAGGCCCTGCATCGCCCGCAAACAAGTGG-3'
Protein context (NP_446464.1, residues 74-94): WPAIQSSALY[Glu84Lys]DRYLLGTSLA